The following is an entry in ClinVar:

NM_138413.4(HOGA1):c.720C>A (p.Cys240Ter)

Gene: HOGA1 (4-hydroxy-2-oxoglutarate aldolase 1; plus strand). Cytogenetic location: 10q24.2.
Variant type: single nucleotide variant.
Coding change: c.720C>A on transcript NM_138413.4 (MANE Select); coding-DNA position 720, C replaced by A.
Protein change: p.Cys240Ter; replaces cysteine 240 with a stop codon.
Molecular consequence: nonsense.
Genome position (GRCh38, 1-based): chr10:97,601,876, C>A. VCF-style: chr10-97601876-C-A. GRCh37 (hg19) VCF-style: chr10-99361633-C-A.
Other names: c.231C>A, p.Cys77Ter (NM_001134670.2); short protein forms C240*, C77*.
Identifiers: ClinVar variation 2664399 (VCV002664399.1), dbSNP rs183301169, ClinGen allele CA377980963.

ClinVar aggregate classification (germline): Likely pathogenic (1 of 4 stars; one submission).

Conditions:
Primary hyperoxaluria type 3. Also called: PH III. Identifiers: Orphanet 416, Orphanet 93600, MedGen C3150878, MONDO:0013327, OMIM 613616. Disease mechanism: loss of function.

Submission:

Clinical Biochemistry Laboratory, Health Services Laboratory
Classification: Likely pathogenic for Primary hyperoxaluria type 3. Last evaluated: 2023-10-27. Review status: criteria provided, single submitter. Criteria: ACMG Guidelines, 2015. Collection method: curation. Allele origin: germline.
Comment: ACMG:PVS1 PM2